The following is an entry in ClinVar:

ClinVar aggregate classification (germline): Uncertain significance (1 of 4 stars; one submission).

Conditions:
Inborn genetic diseases. Identifiers: MedGen C0950123, MeSH D030342.

Submission:

Ambry Genetics
Classification: Uncertain significance for Inborn genetic diseases. Last evaluated: 2025-06-02. Review status: criteria provided, single submitter. Criteria: Ambry Variant Classification Scheme 2023. Collection method: clinical testing. Allele origin: germline.
Comment: The p.I750M variant (also known as c.2250T>G), located in coding exon 1 of the SAMD9 gene, results from a T to G substitution at nucleotide position 2250. The isoleucine at codon 750 is replaced by methionine, an amino acid with highly similar properties. This amino acid position is conserved. In addition, the in silico prediction for this alteration is inconclusive. Based on the available evidence, the clinical significance of this variant remains unclear.

NM_017654.4(SAMD9):c.2250T>G (p.Ile750Met)

Gene: SAMD9 (sterile alpha motif domain containing 9; minus strand). Cytogenetic location: 7q21.2.
Variant type: single nucleotide variant.
Coding change: c.2250T>G on transcript NM_017654.4 (MANE Select); coding-DNA position 2250, T replaced by G.
Protein change: p.Ile750Met; replaces isoleucine 750 with methionine.
Molecular consequence: missense variant.
Genome position (GRCh38, 1-based): chr7:93,103,848, A>C on the plus strand (T>G on the coding strand, the complement: SAMD9 is on the minus strand). VCF-style: chr7-93103848-A-C. GRCh37 (hg19) VCF-style: chr7-92733161-A-C.
Other names: c.2250T>G, p.Ile750Met (NM_001193307.2); short protein forms I750M.
Identifiers: ClinVar variation 3949699 (VCV003949699.1).